The following is an entry in ClinVar:

NM_001166108.2(PALLD):c.2751A>C (p.Glu917Asp)

Genes: CBR4 (carbonyl reductase 4; minus strand), PALLD (palladin, cytoskeletal associated protein; plus strand). Cytogenetic location: 4q32.3.
Variant type: single nucleotide variant.
Coding change: c.2751A>C on transcript NM_001166108.2 (MANE Select); coding-DNA position 2751, A replaced by C.
Protein change: p.Glu917Asp; replaces glutamic acid 917 with aspartic acid.
Molecular consequence: missense variant.
Genome position (GRCh38, 1-based): chr4:168,915,928, A>C. VCF-style: chr4-168915928-A-C. GRCh37 (hg19) VCF-style: chr4-169837079-A-C.
Other names: c.1554A>C, p.Glu518Asp (NM_001166109.2); c.1239A>C, p.Glu413Asp (NM_001166110.2); c.579A>C, p.Glu193Asp (NM_001367567.1, NM_001367569.1); c.630A>C, p.Glu210Asp (NM_001367568.1, NM_001367570.1); c.2700A>C, p.Glu900Asp (NM_016081.4); short protein forms E210D, E413D, E193D, E518D, E900D, E917D.
Identifiers: ClinVar variation 3927568 (VCV003927568.1).

ClinVar aggregate classification (germline): Uncertain significance (1 of 4 stars; one submission).

Submission:

Ambry Genetics
Classification: Uncertain significance. Last evaluated: 2025-06-06. Review status: criteria provided, single submitter. Criteria: Ambry Variant Classification Scheme 2023. Collection method: clinical testing. Allele origin: germline.
Comment: The p.E413D variant (also known as c.1239A>C), located in coding exon 7 of the PALLD gene, results from an A to C substitution at nucleotide position 1239. The glutamic acid at codon 413 is replaced by aspartic acid, an amino acid with highly similar properties. This amino acid position is conserved. In addition, this alteration is predicted to be tolerated by in silico analysis. Based on the available evidence, the clinical significance of this variant remains unclear.